The following is an entry in ClinVar:

ClinVar aggregate classification (germline): Uncertain significance. Review status: criteria provided, multiple submitters, no conflicts (2 of 4 stars). 2 submissions from 2 submitters: Uncertain significance (2). Last evaluated 2025-05-11.

Conditions:
Hereditary cancer-predisposing syndrome. Also called: Tumor predisposition; Hereditary neoplastic syndrome; Neoplastic Syndromes, Hereditary; Hereditary Cancer Syndrome. Identifiers: Orphanet 140162, MedGen C0027672, MeSH D009386, MONDO:0015356.

Allele frequency attached by ClinVar (database versions not stated): gnomAD 0.00001; TOPMed 0.00001.

Submissions (2):

Ambry Genetics
Classification: Uncertain significance for Hereditary cancer-predisposing syndrome. Last evaluated: 2025-05-11. Review status: criteria provided, single submitter. Criteria: Ambry Variant Classification Scheme 2023. Collection method: clinical testing. Allele origin: germline.
Comment: The p.I746T variant (also known as c.2237T>C), located in coding exon 20 of the POLE gene, results from a T to C substitution at nucleotide position 2237. The isoleucine at codon 746 is replaced by threonine, an amino acid with similar properties. This amino acid position is conserved. In addition, the in silico prediction for this alteration is inconclusive. Since supporting evidence is limited at this time, the clinical significance of this alteration remains unclear.

Labcorp Genetics (formerly Invitae), Labcorp
Classification: Uncertain significance. Last evaluated: 2024-10-10. Review status: criteria provided, single submitter. Criteria: Invitae Variant Classification Sherloc (09022015). Collection method: clinical testing. Allele origin: germline.
Comment: This sequence change replaces isoleucine, which is neutral and non-polar, with threonine, which is neutral and polar, at codon 746 of the POLE protein (p.Ile746Thr). This variant is not present in population databases (gnomAD no frequency). This variant has not been reported in the literature in individuals affected with POLE-related conditions. ClinVar contains an entry for this variant (Variation ID: 846338). Invitae Evidence Modeling of protein sequence and biophysical properties (such as structural, functional, and spatial information, amino acid conservation, physicochemical variation, residue mobility, and thermodynamic stability) indicates that this missense variant is expected to disrupt POLE protein function with a positive predictive value of 80%. In summary, the available evidence is currently insufficient to determine the role of this variant in disease. Therefore, it has been classified as a Variant of Uncertain Significance.

NM_006231.4(POLE):c.2237T>C (p.Ile746Thr)

Gene: POLE (DNA polymerase epsilon, catalytic subunit; minus strand). Cytogenetic location: 12q24.33.
Variant type: single nucleotide variant.
Coding change: c.2237T>C on transcript NM_006231.4 (MANE Select); coding-DNA position 2237, T replaced by C.
Protein change: p.Ile746Thr; replaces isoleucine 746 with threonine.
Molecular consequence: missense variant.
Genome position (GRCh38, 1-based): chr12:132,667,585, A>G on the plus strand (T>C on the coding strand, the complement: POLE is on the minus strand). VCF-style: chr12-132667585-A-G. GRCh37 (hg19) VCF-style: chr12-133244171-A-G.
Other names: short protein forms I746T.
Identifiers: ClinVar variation 846338 (VCV000846338.11), dbSNP rs988227283, ClinGen allele CA246287926.